The following is an entry in ClinVar:

NM_004092.4(ECHS1):c.286+4C>A

Gene: ECHS1 (enoyl-CoA hydratase, short chain 1; minus strand). Cytogenetic location: 10q26.3.
Variant type: single nucleotide variant.
Coding change: c.286+4C>A on transcript NM_004092.4 (MANE Select); 4 bases into the intron after coding-DNA position 286, C replaced by A.
Molecular consequence: intron variant.
Genome position (GRCh38, 1-based): chr10:133,370,556, G>T on the plus strand (C>A on the coding strand, the complement: ECHS1 is on the minus strand). VCF-style: chr10-133370556-G-T. GRCh37 (hg19) VCF-style: chr10-135184060-G-T.
Identifiers: ClinVar variation 3032057 (VCV003032057.2), dbSNP rs181328051, ClinGen allele CA5765833.

ClinVar aggregate classification (germline): Likely benign (0 of 4 stars; one submission).

Conditions:
ECHS1-related disorder. Also called: ECHS1-related condition.

Allele frequency attached by ClinVar (database versions not stated): 1000 Genomes Project 30x 0.00031; 1000 Genomes Project 0.00040.
gnomAD v4.1: 13 of 1,556,602 alleles (0.00084%); highest among the groups gnomAD compares: Non-Finnish European, 0.0011%; no homozygotes.

Submission:

PreventionGenetics, part of Exact Sciences
Classification: Likely benign for ECHS1-related condition. Last evaluated: 2020-11-24. Review status: no assertion criteria provided. Collection method: clinical testing. Allele origin: germline.
Comment: This variant is classified as likely benign based on ACMG/AMP sequence variant interpretation guidelines (Richards et al. 2015 PMID: 25741868, with internal and published modifications).